The following is an entry in ClinVar:

ClinVar aggregate classification (germline): Likely benign. Review status: criteria provided, single submitter (1 of 4 stars). 2 submissions from 2 submitters: Likely benign (1). 1 of the submissions does not count toward it. Last evaluated 2022-10-07.

Conditions:
GNAS-related disorder. Identifiers: MedGen CN380105.

Allele frequency attached by ClinVar (database versions not stated): gnomAD exomes 0.00006; gnomAD 0.00003.
gnomAD v4.1: 92 of 1,611,450 alleles (0.0057%); highest among the groups gnomAD compares: Non-Finnish European, 0.0075%; no homozygotes.

Submissions (2):

Blueprint Genetics
Classification: Likely benign. Last evaluated: 2022-10-07. Review status: criteria provided, single submitter. Criteria: ACMG Guidelines, 2015. Collection method: clinical testing. Allele origin: germline.

PreventionGenetics, part of Exact Sciences
Classification: Likely benign for GNAS-related condition. Last evaluated: 2021-03-09. Review status: no assertion criteria provided. Collection method: clinical testing. Allele origin: germline. Not counted in ClinVar's aggregate classification.
Comment: This variant is classified as likely benign based on ACMG/AMP sequence variant interpretation guidelines (Richards et al. 2015 PMID: 25741868, with internal and published modifications).

NM_016592.5(GNAS):c.27G>A (p.Gln9=)

Genes: GNAS (GNAS complex locus; plus strand), GNAS-AS1 (GNAS antisense RNA 1; minus strand). Cytogenetic location: 20q13.32.
Variant type: single nucleotide variant.
Coding change: c.27G>A on transcript NM_016592.5 (MANE Plus Clinical); coding-DNA position 27, G replaced by A.
Protein change: p.Gln9=; no amino-acid change (glutamine 9 retained).
Molecular consequence: synonymous variant. On other transcripts: 5 prime UTR variant (1).
Genome position (GRCh38, 1-based): chr20:58,840,133, G>A. VCF-style: chr20-58840133-G-A. GRCh37 (hg19) VCF-style: chr20-57415188-G-A.
Other names: c.-711G>A (NM_001410912.1).
Identifiers: ClinVar variation 3030466 (VCV003030466.3), dbSNP rs1274269300, ClinGen allele CA511315639.